The following is an entry in ClinVar:

ClinVar aggregate classification (germline): Uncertain significance (1 of 4 stars; one submission).

gnomAD v4.1: 39 of 765,424 alleles (0.0051%); highest among the groups gnomAD compares: East Asian, 0.027%; no homozygotes.

Submission:

Labcorp Genetics (formerly Invitae), Labcorp
Classification: Uncertain significance. Last evaluated: 2025-09-23. Review status: criteria provided, single submitter. Criteria: Invitae Variant Classification Sherloc (09022015). Collection method: clinical testing. Allele origin: germline.
Comment: This variant occurs in the SNORD118 gene, which encodes an RNA molecule that does not result in a protein product. This variant is present in population databases (rs772145329, gnomAD 0.02%). This variant has not been reported in the literature in individuals affected with SNORD118-related conditions. Experimental studies and prediction algorithms are not available or were not evaluated, and the functional significance of this variant is currently unknown. In summary, the available evidence is currently insufficient to determine the role of this variant in disease. Therefore, it has been classified as a Variant of Uncertain Significance.

NR_033294.2(SNORD118):n.53A>G

Genes: SNORD118 (small nucleolar RNA, C/D box 118; minus strand), TMEM107 (transmembrane protein 107; minus strand). Cytogenetic location: 17p13.1.
Variant type: single nucleotide variant.
Molecular consequence: non-coding transcript variant (on NR_033294.2). On other transcripts: 3 prime UTR variant (5).
Genome position: GRCh38 VCF-style: chr17-8173536-T-C. GRCh37 (hg19) VCF-style: chr17-8076854-T-C.
Other names: c.*667A>G (NM_001351278.2, NM_001351279.2, NM_001351280.2 and 2 more transcripts).
Identifiers: ClinVar variation 4692465 (VCV004692465.1).